The following is an entry in ClinVar:

NM_001943.5(DSG2):c.3296C>T (p.Thr1099Ile)

Genes: DSG2 (desmoglein 2; plus strand), DSG2-AS1 (DSG2 antisense RNA 1; minus strand). Cytogenetic location: 18q12.1.
Variant type: single nucleotide variant.
Coding change: c.3296C>T on transcript NM_001943.5 (MANE Select); coding-DNA position 3296, C replaced by T.
Protein change: p.Thr1099Ile; replaces threonine 1099 with isoleucine.
Molecular consequence: missense variant.
Genome position (GRCh38, 1-based): chr18:31,546,682, C>T. VCF-style: chr18-31546682-C-T. GRCh37 (hg19) VCF-style: chr18-29126645-C-T.
Other names: short protein forms T1099I.
Identifiers: ClinVar variation 1302085 (VCV001302085.2), dbSNP rs2144361989, ClinGen allele CA402149316.

ClinVar aggregate classification (germline): Uncertain significance (1 of 4 stars; one submission).

gnomAD v4.1: 1 of 1,614,170 alleles (0.000062%); highest among the groups gnomAD compares: Non-Finnish European, 0.000085%; no homozygotes.

Submission:

GeneDx
Classification: Uncertain significance. Last evaluated: 2019-05-07. Review status: criteria provided, single submitter. Criteria: GeneDx Variant Classification Process June 2021. Collection method: clinical testing. Allele origin: germline. Affected: yes.
Comment: Has not been previously published as pathogenic or benign to our knowledge; Not observed in large population cohorts (Lek et al., 2016); In silico analysis, which includes protein predictors and evolutionary conservation, supports that this variant does not alter protein structure/function